The following is an entry in ClinVar:

NM_025179.4(PLXNA2):c.1082G>A (p.Arg361Gln)

Gene: PLXNA2 (plexin A2; minus strand). Cytogenetic location: 1q32.2.
Variant type: single nucleotide variant.
Coding change: c.1082G>A on transcript NM_025179.4 (MANE Select); coding-DNA position 1082, G replaced by A.
Protein change: p.Arg361Gln; replaces arginine 361 with glutamine.
Molecular consequence: missense variant.
Genome position (GRCh38, 1-based): chr1:208,216,841, C>T on the plus strand (G>A on the coding strand, the complement: PLXNA2 is on the minus strand). VCF-style: chr1-208216841-C-T. GRCh37 (hg19) VCF-style: chr1-208390186-C-T.
Other names: short protein forms R361Q.
Identifiers: ClinVar variation 2634108 (VCV002634108.8), dbSNP rs200774108, ClinGen allele CA1373980.

ClinVar aggregate classification (germline): Uncertain significance. Review status: criteria provided, multiple submitters, no conflicts (2 of 4 stars). 3 submissions from 3 submitters: Uncertain significance (3). Last evaluated 2026-03-20.

Conditions:
PLXNA2-related disorder. Also called: PLXNA2-related condition.

Allele frequency attached by ClinVar (database versions not stated): gnomAD 0.00003; ExAC 0.00008; ESP Exome Variant Server 0.00008; TOPMed 0.00009.
gnomAD v4.1: 91 of 1,614,002 alleles (0.0056%); highest among the groups gnomAD compares: South Asian, 0.036%; 1 homozygote.

Submissions (4):

PreventionGenetics, part of Exact Sciences
Classification: Uncertain significance for PLXNA2-related condition. Last evaluated: 2026-03-20. Review status: criteria provided, single submitter. Criteria: ACMG Guidelines, 2015. Collection method: clinical testing. Allele origin: germline.
Comment: The PLXNA2 c.1082G>A variant is predicted to result in the amino acid substitution p.Arg361Gln. To our knowledge, this variant has not been reported in the literature. This variant is reported in 0.040% of alleles in individuals of East Asian descent in gnomAD, and one homozygous individual has been documented. Although we suspect that this variant may be benign, at this time, the clinical significance of this variant is uncertain due to the absence of conclusive functional and genetic evidence.

Labcorp Genetics (formerly Invitae), Labcorp
Classification: Uncertain significance. Last evaluated: 2025-04-22. Review status: criteria provided, single submitter. Criteria: Invitae Variant Classification Sherloc (09022015). Collection method: clinical testing. Allele origin: germline.
Comment: This sequence change replaces arginine, which is basic and polar, with glutamine, which is neutral and polar, at codon 361 of the PLXNA2 protein (p.Arg361Gln). This variant is present in population databases (rs200774108, gnomAD 0.04%). This variant has not been reported in the literature in individuals affected with PLXNA2-related conditions. ClinVar contains an entry for this variant (Variation ID: 2634108). Invitae Evidence Modeling of protein sequence and biophysical properties (such as structural, functional, and spatial information, amino acid conservation, physicochemical variation, residue mobility, and thermodynamic stability) indicates that this missense variant is not expected to disrupt PLXNA2 protein function with a negative predictive value of 80%. Algorithms developed to predict the effect of sequence changes on RNA splicing suggest that this variant may create or strengthen a splice site. In summary, the available evidence is currently insufficient to determine the role of this variant in disease. Therefore, it has been classified as a Variant of Uncertain Significance.

Ambry Genetics
Classification: Uncertain significance. Last evaluated: 2024-11-21. Review status: criteria provided, single submitter. Criteria: Ambry Variant Classification Scheme 2023. Collection method: clinical testing. Allele origin: germline.

Dr. Peter K. Rogan Lab, Western University
No classification provided (evidence only). Condition: Melanoma. Review status: no classification provided. Collection method: in vitro. Allele origin: not applicable. Functional consequence: retained intron. Not counted in ClinVar's aggregate classification.